The following is an entry in ClinVar:

NM_013382.7(POMT2):c.629T>C (p.Met210Thr)

Gene: POMT2 (protein O-mannosyltransferase 2; minus strand). Cytogenetic location: 14q24.3.
Variant type: single nucleotide variant.
Coding change: c.629T>C on transcript NM_013382.7 (MANE Select); coding-DNA position 629, T replaced by C.
Protein change: p.Met210Thr; replaces methionine 210 with threonine.
Molecular consequence: missense variant.
Genome position (GRCh38, 1-based): chr14:77,302,862, A>G on the plus strand (T>C on the coding strand, the complement: POMT2 is on the minus strand). VCF-style: chr14-77302862-A-G. GRCh37 (hg19) VCF-style: chr14-77769205-A-G.
Other names: short protein forms M210T.
Identifiers: ClinVar variation 224703 (VCV000224703.15), dbSNP rs369654108, ClinGen allele CA7286147.

ClinVar aggregate classification (germline): Conflicting classifications of pathogenicity. Review status: criteria provided, conflicting classifications (1 of 4 stars). 5 submissions from 5 submitters: Uncertain significance (3); Benign (1); Likely benign (1). Last evaluated 2025-12-31.

Conditions:
Muscular dystrophy-dystroglycanopathy (congenital with brain and eye anomalies), type A2. Also called: MUSCULAR DYSTROPHY-DYSTROGLYCANOPATHY (CONGENITAL WITH BRAIN AND EYE ANOMALIES), TYPE A, 2; WALKER-WARBURG SYNDROME OR MUSCLE-EYE-BRAIN DISEASE, POMT2-RELATED. Identifiers: Orphanet 588, Orphanet 899, MedGen C3150411, MONDO:0013154, OMIM 613150.
Muscular dystrophy-dystroglycanopathy (congenital with impaired intellectual development), type B, 2. Also called: Muscular dystrophy-dystroglycanopathy (congenital with intellectual disability), type B2; MUSCULAR DYSTROPHY, CONGENITAL, POMT2-RELATED. Identifiers: MedGen C3150416, MONDO:0013160, OMIM 613156.
Autosomal recessive limb-girdle muscular dystrophy type 2N. Also called: Muscular dystrophy-dystroglycanopathy (limb-girdle), type C, 2; MUSCULAR DYSTROPHY-DYSTROGLYCANOPATHY, LIMB-GIRDLE, POMT2-RELATED. Identifiers: Orphanet 206559, MedGen C3150418, MONDO:0013162, OMIM 613158.

Allele frequency attached by ClinVar (database versions not stated): gnomAD 0.00001 and 0.00004; gnomAD exomes 0.00013 and 0.00026; 1000 Genomes Project 30x 0.00016; 1000 Genomes Project 0.00020; ExAC 0.00027.
gnomAD v4.1: 192 of 1,613,538 alleles (0.012%); highest among the groups gnomAD compares: South Asian, 0.2%; 4 homozygotes.

Submissions (5):

Labcorp Genetics (formerly Invitae), Labcorp
Classification: Benign for Muscular dystrophy-dystroglycanopathy (congenital with impaired intellectual development), type B, 2; Muscular dystrophy-dystroglycanopathy (congenital with brain and eye anomalies), type A2; Autosomal recessive limb-girdle muscular dystrophy type 2N. Last evaluated: 2025-12-31. Review status: criteria provided, single submitter. Criteria: Invitae Variant Classification Sherloc (09022015). Collection method: clinical testing. Allele origin: germline.

Athena Diagnostics
Classification: Likely benign. Last evaluated: 2021-04-28. Review status: criteria provided, single submitter. Criteria: Athena Diagnostics criteria. Collection method: clinical testing. Allele origin: unknown.

GeneDx
Classification: Uncertain significance. Last evaluated: 2019-12-03. Review status: criteria provided, single submitter. Criteria: GeneDx Variant Classification Process June 2021. Collection method: clinical testing. Allele origin: germline. Affected: yes.
Comment: In silico analysis, which includes protein predictors and evolutionary conservation, supports a deleterious effect; Reported previously in the heterozygous state as a variant of uncertain significance, along with a NEB variant of uncertain significance, in a patient with congenital muscular dystrophy (Punetha et al., 2016); This variant is associated with the following publications: (PMID: 27854218)

Genetic Services Laboratory, University of Chicago
Classification: Uncertain significance. Last evaluated: 2017-08-07. Review status: criteria provided, single submitter. Criteria: ACMG Guidelines, 2015. Collection method: clinical testing. Allele origin: germline. Affected: no.

Center for Genetic Medicine Research, Children's National Medical Center
Classification: Uncertain significance. Last evaluated: 2015-12-01. Review status: criteria provided, single submitter. Criteria: Punetha et al. (J Neuromuscul Dis. 2016). Collection method: research. Allele origin: unknown.

Literature cited by the submitters: PubMed 27854218 (cited by Athena Diagnostics).